The following is an entry in ClinVar:

NM_000532.5(PCCB):c.596C>T (p.Pro199Leu)

Gene: PCCB (propionyl-CoA carboxylase subunit beta; plus strand). Cytogenetic location: 3q22.3.
Variant type: single nucleotide variant.
Coding change: c.596C>T on transcript NM_000532.5 (MANE Select); coding-DNA position 596, C replaced by T.
Protein change: p.Pro199Leu; replaces proline 199 with leucine.
Molecular consequence: missense variant.
Genome position (GRCh38, 1-based): chr3:136,283,889, C>T. VCF-style: chr3-136283889-C-T. GRCh37 (hg19) VCF-style: chr3-136002731-C-T.
Other names: c.656C>T, p.Pro219Leu (NM_001178014.2); short protein forms P219L, P199L.
Identifiers: ClinVar variation 2153182 (VCV002153182.3), dbSNP rs1313783374, ClinGen allele CA354641870.

ClinVar aggregate classification (germline): Uncertain significance (1 of 4 stars; one submission).

Conditions:
Propionic acidemia (PROP). Also called: GLYCINEMIA, KETOTIC; HYPERGLYCINEMIA WITH KETOACIDOSIS AND LEUKOPENIA; KETOTIC HYPERGLYCINEMIA. Identifiers: Orphanet 35, MedGen C0268579, MONDO:0011628, OMIM 606054, HP:0003571.

Allele frequency attached by ClinVar (database versions not stated): TOPMed below 0.00001; gnomAD 0.00001.
gnomAD v4.1: 3 of 1,613,874 alleles (0.00019%); highest among the groups gnomAD compares: Non-Finnish European, 0.00025%; no homozygotes.

Submission:

Labcorp Genetics (formerly Invitae), Labcorp
Classification: Uncertain significance for Propionic acidemia. Last evaluated: 2024-10-01. Review status: criteria provided, single submitter. Criteria: Invitae Variant Classification Sherloc (09022015). Collection method: clinical testing. Allele origin: germline.
Comment: This sequence change replaces proline, which is neutral and non-polar, with leucine, which is neutral and non-polar, at codon 199 of the PCCB protein (p.Pro199Leu). This variant is not present in population databases (gnomAD no frequency). This variant has not been reported in the literature in individuals affected with PCCB-related conditions. ClinVar contains an entry for this variant (Variation ID: 2153182). Invitae Evidence Modeling of protein sequence and biophysical properties (such as structural, functional, and spatial information, amino acid conservation, physicochemical variation, residue mobility, and thermodynamic stability) indicates that this missense variant is expected to disrupt PCCB protein function with a positive predictive value of 95%. In summary, the available evidence is currently insufficient to determine the role of this variant in disease. Therefore, it has been classified as a Variant of Uncertain Significance.